The following is an entry in ClinVar:

NM_014236.4(GNPAT):c.51_56del (p.Pro18_Ser19del)

Gene: GNPAT (glyceronephosphate O-acyltransferase; plus strand). Cytogenetic location: 1q42.2.
Variant type: Deletion.
Coding change: c.51_56del on transcript NM_014236.4 (MANE Select); coding-DNA positions 51 to 56, 6 bases deleted (TCCCAG; older notation c.51_56delTCCCAG).
Protein change: p.Pro18_Ser19del.
Molecular consequence: inframe deletion.
Genome position (GRCh38, 1-based): chr1:231,241,429-231,241,434, TCCCAG deleted; deleting any 6 consecutive bases within chr1:231,241,425-231,241,434 gives the same sequence; the c. name uses the placement nearest the transcript's 3' end. VCF-style (leftmost placement, unchanged base first): chr1-231241424-ACCAGTC-A. GRCh37 (hg19) VCF-style: chr1-231377170-ACCAGTC-A.
Other names: c.51_56del, p.Pro18_Ser19del (NM_001316350.2).
Identifiers: ClinVar variation 1514054 (VCV001514054.8), dbSNP rs2102791436, ClinGen allele CA2573132895.

ClinVar aggregate classification (germline): Uncertain significance (1 of 4 stars; one submission).

Submission:

Labcorp Genetics (formerly Invitae), Labcorp
Classification: Uncertain significance. Last evaluated: 2021-01-02. Review status: criteria provided, single submitter. Criteria: Invitae Variant Classification Sherloc (09022015). Collection method: clinical testing. Allele origin: germline.
Comment: In summary, the available evidence is currently insufficient to determine the role of this variant in disease. Therefore, it has been classified as a Variant of Uncertain Significance. Experimental studies and prediction algorithms are not available or were not evaluated, and the functional significance of this variant is currently unknown. This variant has not been reported in the literature in individuals with GNPAT-related conditions. This variant is not present in population databases (ExAC no frequency). This variant, c.51_56del, results in the deletion of 2 amino acid(s) of the GNPAT protein (p.Pro18_Ser19del), but otherwise preserves the integrity of the reading frame.